The following is an entry in ClinVar:

ClinVar aggregate classification (germline): Uncertain significance (1 of 4 stars; one submission).

Conditions:
Emery-Dreifuss muscular dystrophy 5, autosomal dominant (EDMD5). Also called: EMERY-DREIFUSS MUSCULAR DYSTROPHY 5. Identifiers: Orphanet 261, MedGen C2751805, MONDO:0013072, OMIM 612999.

Allele frequency attached by ClinVar (database versions not stated): gnomAD exomes below 0.00001; ExAC 0.00001; gnomAD 0.00001; TOPMed 0.00001.
gnomAD v4.1: 2 of 1,613,962 alleles (0.00012%); highest among the groups gnomAD compares: East Asian, 0.0045%; no homozygotes.

Submission:

Labcorp Genetics (formerly Invitae), Labcorp
Classification: Uncertain significance for Emery-Dreifuss muscular dystrophy 5, autosomal dominant. Last evaluated: 2022-03-25. Review status: criteria provided, single submitter. Criteria: Invitae Variant Classification Sherloc (09022015). Collection method: clinical testing. Allele origin: germline.
Comment: Algorithms developed to predict the effect of missense changes on protein structure and function are either unavailable or do not agree on the potential impact of this missense change (SIFT: "Deleterious"; PolyPhen-2: "Probably Damaging"; Align-GVGD: "Class C0"). In summary, the available evidence is currently insufficient to determine the role of this variant in disease. Therefore, it has been classified as a Variant of Uncertain Significance. This variant has not been reported in the literature in individuals affected with SYNE2-related conditions. The frequency data for this variant in the population databases is considered unreliable, as metrics indicate poor data quality at this position in the gnomAD database. This sequence change replaces aspartic acid, which is acidic and polar, with histidine, which is basic and polar, at codon 6524 of the SYNE2 protein (p.Asp6524His).

NM_182914.3(SYNE2):c.19570G>C (p.Asp6524His)

Gene: SYNE2 (spectrin repeat containing nuclear envelope protein 2; plus strand). Cytogenetic location: 14q23.2.
Variant type: single nucleotide variant.
Coding change: c.19570G>C on transcript NM_182914.3 (MANE Select); coding-DNA position 19570, G replaced by C.
Protein change: p.Asp6524His; replaces aspartic acid 6524 with histidine.
Molecular consequence: missense variant.
Genome position (GRCh38, 1-based): chr14:64,218,425, G>C. VCF-style: chr14-64218425-G-C. GRCh37 (hg19) VCF-style: chr14-64685143-G-C.
Other names: c.19501G>C, p.Asp6501His (NM_015180.6); c.94G>C, p.Asp32His (NM_182910.2); c.472G>C, p.Asp158His (NM_182913.4); short protein forms D158H, D6501H, D32H, D6524H.
Identifiers: ClinVar variation 2200854 (VCV002200854.4), dbSNP rs776640358, ClinGen allele CA7224505.
Genomic context (GRCh38, chr14:64,218,425, plus strand): 5'-ACAGATGGTAACTTAAAAACTGGCTCATTCTAGGGAAAGCTACTATTACCTCCAGGCACG[G>C]ATGGTGGCAAAGAAGGCCCGCGAGTCCTGAATGGCAACCCACAGCAGGAAGACGGGGGAC-3'
Protein context (NP_878918.2, residues 6514-6534): YGKLLLPPGT[Asp6524His]GGKEGPRVLN